The following is an entry in ClinVar:

ClinVar aggregate classification (germline): Uncertain significance (1 of 4 stars; one submission).

Submission:

GeneDx
Classification: Uncertain significance. Last evaluated: 2024-07-29. Review status: criteria provided, single submitter. Criteria: GeneDx Variant Classification Process June 2021. Collection method: clinical testing. Allele origin: germline. Affected: yes.
Comment: Not observed at significant frequency in large population cohorts (gnomAD); In silico analysis indicates that this missense variant does not alter protein structure/function; Has not been previously published as pathogenic or benign to our knowledge

NM_001042424.3(NSD2):c.3971G>A (p.Cys1324Tyr)

Gene: NSD2 (nuclear receptor binding SET domain protein 2; plus strand). Cytogenetic location: 4p16.3.
Variant type: single nucleotide variant.
Coding change: c.3971G>A on transcript NM_001042424.3 (MANE Select); coding-DNA position 3971, G replaced by A.
Protein change: p.Cys1324Tyr; replaces cysteine 1324 with tyrosine.
Molecular consequence: missense variant.
Genome position (GRCh38, 1-based): chr4:1,978,782, G>A. VCF-style: chr4-1978782-G-A. GRCh37 (hg19) VCF-style: chr4-1980509-G-A.
Other names: c.3971G>A, p.Cys1324Tyr (NM_133330.3, NM_133331.3, NM_133335.4); short protein forms C1324Y.
Identifiers: ClinVar variation 3602381 (VCV003602381.1).